The following is an entry in ClinVar:

ClinVar aggregate classification (germline): Uncertain significance (1 of 4 stars; one submission).

gnomAD v4.1: 12 of 1,611,698 alleles (0.00074%); highest among the groups gnomAD compares: Admixed American, 0.0034%; no homozygotes.

Submission:

Mayo Clinic Laboratories, Mayo Clinic
Classification: Uncertain significance. Last evaluated: 2024-05-22. Review status: criteria provided, single submitter. Criteria: ACMG Guidelines, 2015. Collection method: clinical testing. Allele origin: germline. Observed: 1 variant allele.
Comment: BP4

NM_130810.4(DNAAF4):c.151G>T (p.Ala51Ser)

Genes: DNAAF4 (dynein axonemal assembly factor 4; minus strand), DNAAF4-CCPG1 (DNAAF4-CCPG1 readthrough (NMD candidate); minus strand). Cytogenetic location: 15q21.3.
Variant type: single nucleotide variant.
Coding change: c.151G>T on transcript NM_130810.4 (MANE Select); coding-DNA position 151, G replaced by T.
Protein change: p.Ala51Ser; replaces alanine 51 with serine.
Molecular consequence: missense variant. On other transcripts: non-coding transcript variant (1).
Genome position (GRCh38, 1-based): chr15:55,497,832, C>A on the plus strand (G>T on the coding strand, the complement: DNAAF4 is on the minus strand). VCF-style: chr15-55497832-C-A. GRCh37 (hg19) VCF-style: chr15-55790030-C-A.
Other names: p.Ala51Ser; c.151G>T, p.Ala51Ser (NM_001033559.3, NM_001033560.2); short protein forms A51S.
Identifiers: ClinVar variation 3380290 (VCV003380290.1).
Genomic context (GRCh38, chr15:55,497,832, plus strand): 5'-TGGTGTCATTCCCAATCTTTGCTTTGCTGCTCTCATCGTCTATGGGAGCATAAAGAAATG[C>A]CTCAAATAAAAATGGAGGAAAGTTGACCTATGCAGAAGGGTGAAAACAGAAACTAAGTTA-3'
Protein context (NP_570722.2, residues 41-61): KVNFPPFLFE[Ala51Ser]FLYAPIDDES